The following is an entry in ClinVar:

ClinVar aggregate classification (germline): Likely benign. Review status: criteria provided, single submitter (1 of 4 stars). 2 submissions from 2 submitters: Likely benign (1). 1 of the submissions does not count toward it. Last evaluated 2024-09-03.

Conditions:
UNC80-related disorder. Also called: UNC80-related condition.

Allele frequency attached by ClinVar (database versions not stated): gnomAD 0.00001 and 0.00002; gnomAD exomes 0.00001 and 0.00002.
gnomAD v4.1: 11 of 1,528,800 alleles (0.00072%); highest among the groups gnomAD compares: East Asian, 0.005%; no homozygotes.

Submissions (2):

Labcorp Genetics (formerly Invitae), Labcorp
Classification: Likely benign. Last evaluated: 2024-09-03. Review status: criteria provided, single submitter. Criteria: Invitae Variant Classification Sherloc (09022015). Collection method: clinical testing. Allele origin: germline.

PreventionGenetics, part of Exact Sciences
Classification: Likely benign for UNC80-related condition. Last evaluated: 2019-06-12. Review status: no assertion criteria provided. Collection method: clinical testing. Allele origin: germline. Not counted in ClinVar's aggregate classification.
Comment: This variant is classified as likely benign based on ACMG/AMP sequence variant interpretation guidelines (Richards et al. 2015 PMID: 25741868, with internal and published modifications).

NM_001371986.1(UNC80):c.8811C>T (p.Ser2937=)

Gene: UNC80 (unc-80 subunit of NALCN channel complex; plus strand). Cytogenetic location: 2q34.
Variant type: single nucleotide variant.
Coding change: c.8811C>T on transcript NM_001371986.1 (MANE Select); coding-DNA position 8811, C replaced by T.
Protein change: p.Ser2937=; no amino-acid change (serine 2937 retained).
Molecular consequence: synonymous variant.
Genome position (GRCh38, 1-based): chr2:209,976,951, C>T. VCF-style: chr2-209976951-C-T. GRCh37 (hg19) VCF-style: chr2-210841675-C-T.
Other names: c.8613C>T, p.Ser2871= (NM_032504.2); c.8598C>T, p.Ser2866= (NM_182587.4); c.8613C>T (NM_032504.1).
Identifiers: ClinVar variation 1574752 (VCV001574752.11), dbSNP rs1195337190, ClinGen allele CA430994862.